The following is an entry in ClinVar:

NM_000053.4(ATP7B):c.2428G>T (p.Glu810Ter)

Gene: ATP7B (ATPase copper transporting beta; minus strand). Cytogenetic location: 13q14.3.
Variant type: single nucleotide variant.
Coding change: c.2428G>T on transcript NM_000053.4 (MANE Select); coding-DNA position 2428, G replaced by T.
Protein change: p.Glu810Ter; replaces glutamic acid 810 with a stop codon.
Molecular consequence: nonsense.
Genome position (GRCh38, 1-based): chr13:51,957,535, C>A on the plus strand (G>T on the coding strand, the complement: ATP7B is on the minus strand). VCF-style: chr13-51957535-C-A. GRCh37 (hg19) VCF-style: chr13-52531671-C-A.
Other names: c.1942G>T, p.Glu648Ter (NM_001005918.3); c.2095G>T, p.Glu699Ter (NM_001243182.2); c.2194G>T, p.Glu732Ter (NM_001330578.2); c.2176G>T, p.Glu726Ter (NM_001330579.2); short protein forms E810*, E699*, E732*, E648*, E726*.
Identifiers: ClinVar variation 554890 (VCV000554890.8), dbSNP rs770020484, ClinGen allele CA388020209.

ClinVar aggregate classification (germline): Pathogenic/Likely pathogenic. Review status: criteria provided, multiple submitters, no conflicts (2 of 4 stars). 4 submissions from 4 submitters: Pathogenic (1); Likely pathogenic (2). 1 of the submissions does not count toward it. Last evaluated 2025-02-19.

Conditions:
Wilson disease (WND). Also called: Wilson's disease. Identifiers: Orphanet 905, MedGen C0019202, MONDO:0010200, OMIM 277900. Disease mechanism: loss of function.

Submissions (4):

Natera, Inc.
Classification: Likely pathogenic for Wilson disease. Last evaluated: 2025-02-19. Review status: criteria provided, single submitter. Criteria: Natera Variant Classification Schema (03/2026). Collection method: clinical testing. Allele origin: germline.
Comment: The c.2428G>T variant in ATP7B is a nonsense variant predicted to introduce a stop codon at amino acid 810. This variant is expected to result in nonsense mediated decay, truncation, or a dysfunctional protein product. This variant is rare in the general population with a frequency below the threshold expected for the associated phenotype(s). Given the available evidence, this variant is classified as Likely Pathogenic.

Labcorp Genetics (formerly Invitae), Labcorp
Classification: Pathogenic for Wilson disease. Last evaluated: 2024-04-26. Review status: criteria provided, single submitter. Criteria: Invitae Variant Classification Sherloc (09022015). Collection method: clinical testing. Allele origin: germline.
Comment: This sequence change creates a premature translational stop signal (p.Glu810*) in the ATP7B gene. It is expected to result in an absent or disrupted protein product. Loss-of-function variants in ATP7B are known to be pathogenic (PMID: 10441329, 16283883). This variant is not present in population databases (gnomAD no frequency). This premature translational stop signal has been observed in individual(s) with clinical features of Wilson disease (PMID: 22677543). ClinVar contains an entry for this variant (Variation ID: 554890). For these reasons, this variant has been classified as Pathogenic.

Women's Health and Genetics/Laboratory Corporation of America, LabCorp
Classification: Likely pathogenic for Wilson disease. Last evaluated: 2018-09-07. Review status: criteria provided, single submitter. Criteria: LabCorp Variant Classification Summary - May 2015. Collection method: clinical testing. Allele origin: germline.
Comment: Variant summary: ATP7B c.2428G>T (p.Glu810X) results in a premature termination codon, predicted to cause a truncation of the encoded protein or absence of the protein due to nonsense mediated decay, which are commonly known mechanisms for disease. The variant was absent in 246246 control chromosomes (gnomAD). c.2428G>T has been reported in the literature in individuals affected with Wilson Disease (Bost_2012). These data indicate that the variant may be associated with disease. To our knowledge, no experimental evidence demonstrating an impact on protein function has been reported. A ClinVar submission from another clinical diagnostic laboratory (evaluation after 2014) cites the variant as likely pathogenic. Based on the evidence outlined above, the variant was classified as likely pathogenic.

Counsyl
Classification: Likely pathogenic for Wilson disease. Last evaluated: 2017-11-08. Review status: no assertion criteria provided. Collection method: clinical testing. Allele origin: unknown. Not counted in ClinVar's aggregate classification.

Literature cited by the submitters: PubMed 10441329 (cited by Labcorp Genetics (formerly Invitae), Labcorp); PubMed 16283883 (cited by Labcorp Genetics (formerly Invitae), Labcorp); PubMed 22677543 (cited by 3 submitters).